The following is an entry in ClinVar:

ClinVar aggregate classification (germline): Uncertain significance (1 of 4 stars; one submission).

Submission:

Ambry Genetics
Classification: Uncertain significance. Last evaluated: 2025-08-24. Review status: criteria provided, single submitter. Criteria: Ambry Variant Classification Scheme 2023. Collection method: clinical testing. Allele origin: germline.
Comment: The p.P716L variant (also known as c.2147C>T), located in coding exon 9 of the WNK2 gene, results from a C to T substitution at nucleotide position 2147. The proline at codon 716 is replaced by leucine, an amino acid with similar properties. This amino acid position is conserved. In addition, this alteration is predicted to be tolerated by in silico analysis. Based on the available evidence, the clinical significance of this variant remains unclear.

NM_006648.4(WNK2):c.2147C>T (p.Pro716Leu)

Gene: WNK2 (WNK lysine deficient protein kinase 2; plus strand). Cytogenetic location: 9q22.31.
Variant type: single nucleotide variant.
Coding change: c.2147C>T on transcript NM_006648.4 (MANE Select); coding-DNA position 2147, C replaced by T.
Protein change: p.Pro716Leu; replaces proline 716 with leucine.
Molecular consequence: missense variant.
Genome position (GRCh38, 1-based): chr9:93,256,411, C>T. VCF-style: chr9-93256411-C-T. GRCh37 (hg19) VCF-style: chr9-96018693-C-T.
Other names: c.2147C>T, p.Pro716Leu (NM_001282394.3); short protein forms P716L.
Identifiers: ClinVar variation 4201814 (VCV004201814.1).
Genomic context (GRCh38, chr9:93,256,411, plus strand): 5'-AGCAGCACTTCCCGGATCCGGCCATGAGCTTCGCCCCCGTGCTGCCGCCGCCCAGCACCC[C>T]CATGCCCACGGGCCCAGGCCAGCCAGCACCCCCCGGCCAGCAGGTGAGTGTGGCACCTCC-3'
Protein context (NP_006639.3, residues 706-726): FAPVLPPPST[Pro716Leu]MPTGPGQPAP